The following is an entry in ClinVar:

NM_002299.4(LCT):c.1663C>G (p.Gln555Glu)

Gene: LCT (lactase; minus strand). Cytogenetic location: 2q21.3.
Variant type: single nucleotide variant.
Coding change: c.1663C>G on transcript NM_002299.4 (MANE Select); coding-DNA position 1663, C replaced by G.
Protein change: p.Gln555Glu; replaces glutamine 555 with glutamic acid.
Molecular consequence: missense variant.
Genome position (GRCh38, 1-based): chr2:135,817,385, G>C on the plus strand (C>G on the coding strand, the complement: LCT is on the minus strand). VCF-style: chr2-135817385-G-C. GRCh37 (hg19) VCF-style: chr2-136574955-G-C.
Other names: short protein forms Q555E.
Identifiers: ClinVar variation 1518829 (VCV001518829.8), dbSNP rs2105542439, ClinGen allele CA348605663.

ClinVar aggregate classification (germline): Uncertain significance (1 of 4 stars; one submission).

Submission:

Labcorp Genetics (formerly Invitae), Labcorp
Classification: Uncertain significance. Last evaluated: 2022-09-26. Review status: criteria provided, single submitter. Criteria: Invitae Variant Classification Sherloc (09022015). Collection method: clinical testing. Allele origin: germline.
Comment: Algorithms developed to predict the effect of missense changes on protein structure and function are either unavailable or do not agree on the potential impact of this missense change (SIFT: "Not Available"; PolyPhen-2: "Benign"; Align-GVGD: "Not Available"). In summary, the available evidence is currently insufficient to determine the role of this variant in disease. Therefore, it has been classified as a Variant of Uncertain Significance. ClinVar contains an entry for this variant (Variation ID: 1518829). This variant has not been reported in the literature in individuals affected with LCT-related conditions. This variant is not present in population databases (gnomAD no frequency). This sequence change replaces glutamine, which is neutral and polar, with glutamic acid, which is acidic and polar, at codon 555 of the LCT protein (p.Gln555Glu).